The following is an entry in ClinVar:

ClinVar aggregate classification (germline): Likely benign. Review status: criteria provided, multiple submitters, no conflicts (2 of 4 stars). 7 submissions from 7 submitters: Likely benign (3). 4 of the submissions do not count toward it. Last evaluated 2025-10-21.

Conditions:
PHF6-related disorder. Also called: PHF6-related condition.
Borjeson-Forssman-Lehmann syndrome (BFLS). Also called: BORJESON SYNDROME; MENTAL RETARDATION, X-LINKED, SYNDROMIC, BORJESON-FORSSMAN-LEHMANN TYPE; MENTAL RETARDATION, EPILEPSY, AND ENDOCRINE DISORDERS. Identifiers: Orphanet 127, MedGen C0265339, MONDO:0010537, OMIM 301900.

Allele frequency attached by ClinVar (database versions not stated): gnomAD 0.00007; ExAC 0.00008; ESP Exome Variant Server 0.00009; 1000 Genomes Project 30x 0.00021; 1000 Genomes Project 0.00026; TOPMed 0.00003; gnomAD exomes 0.00004 and 0.00006.

Submissions (7):

Labcorp Genetics (formerly Invitae), Labcorp
Classification: Likely benign for Borjeson-Forssman-Lehmann syndrome. Last evaluated: 2025-10-21. Review status: criteria provided, single submitter. Criteria: Invitae Variant Classification Sherloc (09022015). Collection method: clinical testing. Allele origin: germline.

CeGaT Center for Human Genetics Tuebingen
Classification: Likely benign. Last evaluated: 2025-05-01. Review status: criteria provided, single submitter. Criteria: CeGaT Center For Human Genetics Tuebingen Variant Classification Criteria Version 2. Collection method: clinical testing. Allele origin: germline. Affected: yes. Observed: 1 variant allele.
Comment: PHF6: BS2

Fulgent Genetics
Classification: Likely benign for Borjeson-Forssman-Lehmann syndrome. Last evaluated: 2024-04-26. Review status: criteria provided, single submitter. Criteria: ACMG Guidelines, 2015. Collection method: clinical testing. Allele origin: germline.

PreventionGenetics, part of Exact Sciences
Classification: Uncertain significance for PHF6-related condition. Last evaluated: 2024-04-17. Review status: no assertion criteria provided. Collection method: clinical testing. Allele origin: germline. Not counted in ClinVar's aggregate classification.
Comment: The PHF6 c.487C>T variant is predicted to result in the amino acid substitution p.Arg163Cys. To our knowledge, this variant has not been reported in the literature. This variant is reported in 0.013% of alleles in individuals of European (Non-Finnish) descent in gnomAD, including in 4 hemizygous individuals. Although we suspect this variant may possibly be benign, at this time its clinical significance is uncertain due to the absence of conclusive functional and genetic evidence.

ITMI
No classification provided. Condition: AllHighlyPenetrant. Last evaluated: 2013-09-19. Review status: no classification provided. Collection method: reference population. Allele origin: germline. Not counted in ClinVar's aggregate classification.
Comment: Please see associated publication for description of ethnicities

Clinical Genetics DNA and cytogenetics Diagnostics Lab, Erasmus MC, Erasmus Medical Center
Classification: Uncertain significance. Review status: no assertion criteria provided. Collection method: clinical testing. Allele origin: germline. Affected: yes. Study: VKGL Data-share Consensus. Not counted in ClinVar's aggregate classification.

Clinical Genetics, Academic Medical Center
Classification: Uncertain significance. Review status: no assertion criteria provided. Collection method: clinical testing. Allele origin: germline. Affected: yes. Study: VKGL Data-share Consensus. Not counted in ClinVar's aggregate classification.

Literature cited by the submitters: PubMed 24728327 (cited by ITMI).

NM_001015877.2(PHF6):c.487C>T (p.Arg163Cys)

Gene: PHF6 (PHD finger protein 6; plus strand). Cytogenetic location: Xq26.2.
Variant type: single nucleotide variant.
Coding change: c.487C>T on transcript NM_001015877.2 (MANE Select); coding-DNA position 487, C replaced by T.
Protein change: p.Arg163Cys; replaces arginine 163 with cysteine.
Molecular consequence: missense variant.
Genome position (GRCh38, 1-based): chrX:134,413,559, C>T. VCF-style: chrX-134413559-C-T. GRCh37 (hg19) VCF-style: chrX-133547589-C-T.
Other names: c.490C>T, p.Arg164Cys (LRG_629t2, NM_032335.3); c.487C>T, p.Arg163Cys (NM_032458.3); short protein forms R163C, R164C.
Identifiers: ClinVar variation 135031 (VCV000135031.23), dbSNP rs199945885, ClinGen allele CA161465.